The following is an entry in ClinVar:

NM_005228.5(EGFR):c.1646T>C (p.Phe549Ser)

Gene: EGFR (epidermal growth factor receptor; plus strand). Cytogenetic location: 7p11.2.
Variant type: single nucleotide variant.
Coding change: c.1646T>C on transcript NM_005228.5 (MANE Select); coding-DNA position 1646, T replaced by C.
Protein change: p.Phe549Ser; replaces phenylalanine 549 with serine.
Molecular consequence: missense variant.
Genome position (GRCh38, 1-based): chr7:55,163,747, T>C. VCF-style: chr7-55163747-T-C. GRCh37 (hg19) VCF-style: chr7-55231440-T-C.
Other names: c.1511T>C, p.Phe504Ser (NM_001346897.2, NM_001346899.2); c.1646T>C, p.Phe549Ser (NM_001346898.2, NM_201282.2, NM_201284.2); c.1487T>C, p.Phe496Ser (NM_001346900.2); c.845T>C, p.Phe282Ser (NM_001346941.2); c.1646T>C (NM_005228.3); short protein forms F504S, F496S, F282S, F549S.
Identifiers: ClinVar variation 1436135 (VCV001436135.9), dbSNP rs1419611893, ClinGen allele CA367580429.

ClinVar aggregate classification (germline): Uncertain significance. Review status: criteria provided, multiple submitters, no conflicts (2 of 4 stars). 2 submissions from 2 submitters: Uncertain significance (2). Last evaluated 2025-06-16.

Conditions:
Hereditary cancer-predisposing syndrome. Also called: Neoplastic Syndromes, Hereditary; Hereditary Cancer Syndrome; Hereditary neoplastic syndrome; Tumor predisposition. Identifiers: Orphanet 140162, MedGen C0027672, MeSH D009386, MONDO:0015356.
EGFR-related lung cancer (EGFR). Identifiers: MedGen CN130014.

Allele frequency attached by ClinVar (database versions not stated): gnomAD exomes below 0.00001.
gnomAD v4.1: 1 of 1,614,208 alleles (0.000062%); highest among the groups gnomAD compares: Non-Finnish European, 0.000085%; no homozygotes.

Submissions (2):

Ambry Genetics
Classification: Uncertain significance for Hereditary cancer-predisposing syndrome. Last evaluated: 2025-06-16. Review status: criteria provided, single submitter. Criteria: Ambry Variant Classification Scheme 2023. Collection method: clinical testing. Allele origin: germline.
Comment: The p.F549S variant (also known as c.1646T>C), located in coding exon 14 of the EGFR gene, results from a T to C substitution at nucleotide position 1646. The phenylalanine at codon 549 is replaced by serine, an amino acid with highly dissimilar properties. This amino acid position is not well conserved in available vertebrate species. In addition, this alteration is predicted to be tolerated by in silico analysis. Based on the available evidence, the clinical significance of this variant remains unclear.

Labcorp Genetics (formerly Invitae), Labcorp
Classification: Uncertain significance for EGFR-related lung cancer. Last evaluated: 2022-06-27. Review status: criteria provided, single submitter. Criteria: Invitae Variant Classification Sherloc (09022015). Collection method: clinical testing. Allele origin: germline.
Comment: In summary, the available evidence is currently insufficient to determine the role of this variant in disease. Therefore, it has been classified as a Variant of Uncertain Significance. Algorithms developed to predict the effect of missense changes on protein structure and function are either unavailable or do not agree on the potential impact of this missense change (SIFT: "Tolerated"; PolyPhen-2: "Probably Damaging"; Align-GVGD: "Class C0"). This variant has not been reported in the literature in individuals affected with EGFR-related conditions. This variant is present in population databases (no rsID available, gnomAD 0.0009%). This sequence change replaces phenylalanine, which is neutral and non-polar, with serine, which is neutral and polar, at codon 549 of the EGFR protein (p.Phe549Ser).